The following is an entry in ClinVar:

ClinVar aggregate classification (germline): Uncertain significance (1 of 4 stars; one submission).

Submission:

Labcorp Genetics (formerly Invitae), Labcorp
Classification: Uncertain significance. Last evaluated: 2025-01-08. Review status: criteria provided, single submitter. Criteria: Invitae Variant Classification Sherloc (09022015). Collection method: clinical testing. Allele origin: germline.
Comment: This sequence change replaces glutamic acid, which is acidic and polar, with lysine, which is basic and polar, at codon 2 of the ASCL1 protein (p.Glu2Lys). This variant is not present in population databases (gnomAD no frequency). This variant has not been reported in the literature in individuals affected with ASCL1-related conditions. Experimental studies and prediction algorithms are not available or were not evaluated, and the functional significance of this variant is currently unknown. In summary, the available evidence is currently insufficient to determine the role of this variant in disease. Therefore, it has been classified as a Variant of Uncertain Significance.

NM_004316.4(ASCL1):c.4G>A (p.Glu2Lys)

Genes: ASCL1 (achaete-scute family bHLH transcription factor 1; plus strand), PAH (phenylalanine hydroxylase; minus strand). Cytogenetic location: 12q23.2.
Variant type: single nucleotide variant.
Coding change: c.4G>A on transcript NM_004316.4 (MANE Select); coding-DNA position 4, G replaced by A.
Protein change: p.Glu2Lys; replaces glutamic acid 2 with lysine.
Molecular consequence: missense variant. On other transcripts: 5 prime UTR variant (1).
Genome position (GRCh38, 1-based): chr12:102,958,248, G>A. VCF-style: chr12-102958248-G-A. GRCh37 (hg19) VCF-style: chr12-103352026-G-A.
Other names: c.-149C>T (NM_001354304.2); short protein forms E2K.
Identifiers: ClinVar variation 3717016 (VCV003717016.2).